The following is an entry in ClinVar:

ClinVar aggregate classification (germline): Uncertain significance (1 of 4 stars; one submission).

Conditions:
Developmental and epileptic encephalopathy, 12 (DEE12). Identifiers: MedGen C3150988, MONDO:0013389, OMIM 613722.

Allele frequency attached by ClinVar (database versions not stated): gnomAD exomes below 0.00001 and 0.00001; ExAC 0.00001.
gnomAD v4.1: 6 of 1,613,860 alleles (0.00037%); highest among the groups gnomAD compares: Non-Finnish European, 0.00025%; no homozygotes.

Submission:

Labcorp Genetics (formerly Invitae), Labcorp
Classification: Uncertain significance for Developmental and epileptic encephalopathy, 12. Last evaluated: 2025-04-28. Review status: criteria provided, single submitter. Criteria: Invitae Variant Classification Sherloc (09022015). Collection method: clinical testing. Allele origin: germline.
Comment: This sequence change replaces serine, which is neutral and polar, with leucine, which is neutral and non-polar, at codon 918 of the PLCB1 protein (p.Ser918Leu). This variant is present in population databases (rs759604666, gnomAD 0.007%). This variant has not been reported in the literature in individuals affected with PLCB1-related conditions. ClinVar contains an entry for this variant (Variation ID: 934575). Invitae Evidence Modeling of protein sequence and biophysical properties (such as structural, functional, and spatial information, amino acid conservation, physicochemical variation, residue mobility, and thermodynamic stability) indicates that this missense variant is not expected to disrupt PLCB1 protein function with a negative predictive value of 80%. In summary, the available evidence is currently insufficient to determine the role of this variant in disease. Therefore, it has been classified as a Variant of Uncertain Significance.

NM_015192.4(PLCB1):c.2753C>T (p.Ser918Leu)

Gene: PLCB1 (phospholipase C beta 1; plus strand). Cytogenetic location: 20p12.3.
Variant type: single nucleotide variant.
Coding change: c.2753C>T on transcript NM_015192.4 (MANE Select); coding-DNA position 2753, C replaced by T.
Protein change: p.Ser918Leu; replaces serine 918 with leucine.
Molecular consequence: missense variant.
Genome position (GRCh38, 1-based): chr20:8,765,181, C>T. VCF-style: chr20-8765181-C-T. GRCh37 (hg19) VCF-style: chr20-8745828-C-T.
Other names: c.2753C>T, p.Ser918Leu (NM_182734.3); short protein forms S918L.
Identifiers: ClinVar variation 934575 (VCV000934575.10), dbSNP rs759604666, ClinGen allele CA9760380.
Genomic context (GRCh38, chr20:8,765,181, plus strand): 5'-CATATTCATTTGTTGCAGAAGTGGAAGCACAGACCATCGAAGAACTAAAGCAACAGAAAT[C>T]GTTTGTGAAACTTCAAAAGAAACACTACAAAGAAATGAAAGACCTGGTTAAGAGACACCA-3'
Protein context (NP_056007.1, residues 908-928): QTIEELKQQK[Ser918Leu]FVKLQKKHYK